The following is an entry in ClinVar:

ClinVar aggregate classification (germline): Pathogenic (1 of 4 stars; one submission).

Conditions:
Cerebral cavernous malformation (CCM). Also called: Cerebral cavernous malformations; Cerebral cavernous hemangioma (type); Cavernous Hemangioma of Brain; CAVERNOUS ANGIOMA, FAMILIAL; CAVERNOUS ANGIOMATOUS MALFORMATIONS; CEREBRAL CAPILLARY MALFORMATIONS. Identifiers: Orphanet 221061, MedGen C2919945, MONDO:0000820, OMIM 116860, HP:0033522.

Submission:

Labcorp Genetics (formerly Invitae), Labcorp
Classification: Pathogenic for Cerebral cavernous malformation. Last evaluated: 2023-12-22. Review status: criteria provided, single submitter. Criteria: Invitae Variant Classification Sherloc (09022015). Collection method: clinical testing. Allele origin: germline.
Comment: This sequence change creates a premature translational stop signal (p.Leu677Phefs*6) in the KRIT1 gene. It is expected to result in an absent or disrupted protein product. Loss-of-function variants in KRIT1 are known to be pathogenic (PMID: 10508515, 11222804, 12404106, 24689081). This variant is not present in population databases (gnomAD no frequency). This variant has not been reported in the literature in individuals affected with KRIT1-related conditions. Algorithms developed to predict the effect of sequence changes on RNA splicing suggest that this variant may disrupt the consensus splice site. For these reasons, this variant has been classified as Pathogenic.

Literature cited by the submitters: PubMed 10508515; PubMed 11222804; PubMed 12404106; PubMed 24689081.

NM_194454.3(KRIT1):c.2030dup (p.Leu677fs)

Gene: KRIT1 (KRIT1 ankyrin repeat containing; minus strand). Cytogenetic location: 7q21.2.
Variant type: Duplication.
Coding change: c.2030dup on transcript NM_194454.3 (MANE Select); coding-DNA position 2030, one base duplicated (T; older notation c.2030dupT).
Protein change: p.Leu677fs; shifts the reading frame from leucine 677.
Molecular consequence: frameshift variant.
Genome position (GRCh38, 1-based): chr7:92,201,419, A duplicated on the plus strand (T on the coding strand, the reverse complement: KRIT1 is on the minus strand); the first of 3 consecutive A bases (chr7:92,201,419-92,201,421); duplicating any one gives the same sequence. VCF-style (leftmost placement, unchanged base first): chr7-92201418-T-TA. GRCh37 (hg19) VCF-style: chr7-91830732-T-TA.
Other names: c.1886dup, p.Leu629fs (NM_001013406.2, NM_001350669.1, NM_001350670.1); c.1316dup, p.Leu439fs (NM_001350671.1); c.2030dup, p.Leu677fs (NM_001350672.1, NM_001350673.1, NM_001350674.1 and 26 more transcripts); short protein forms L629fs, L439fs, L677fs.
Identifiers: ClinVar variation 2704999 (VCV002704999.3), dbSNP rs2535518758, ClinGen allele CA2697557395.
Genomic context (GRCh38, chr7:92,201,418, plus strand): 5'-AAAACAAGTATCAGTATCTCCCAATTGCCACATAAAACAACCATACTTAAGACTGATGAG[T>TA]AAAGCCTGCAACATAATTGGAAACAACTATATTGAAATACATATTAAAAACTTCACCTAT-3'